The following is an entry in ClinVar:

NM_006118.4(HAX1):c.787G>A (p.Asp263Asn)

Gene: HAX1 (HCLS1 associated protein X-1; plus strand). Cytogenetic location: 1q21.3.
Variant type: single nucleotide variant.
Coding change: c.787G>A on transcript NM_006118.4 (MANE Select); coding-DNA position 787, G replaced by A.
Protein change: p.Asp263Asn; replaces aspartic acid 263 with asparagine.
Molecular consequence: missense variant.
Genome position (GRCh38, 1-based): chr1:154,275,648, G>A. VCF-style: chr1-154275648-G-A. GRCh37 (hg19) VCF-style: chr1-154248124-G-A.
Other names: c.643G>A, p.Asp215Asn (NM_001018837.2); short protein forms D263N, D215N.
Identifiers: ClinVar variation 3856859 (VCV003856859.1).

ClinVar aggregate classification (germline): Uncertain significance (1 of 4 stars; one submission).

Conditions:
Inborn genetic diseases. Identifiers: MedGen C0950123, MeSH D030342.

Submission:

Ambry Genetics
Classification: Uncertain significance for Inborn genetic diseases. Last evaluated: 2024-12-20. Review status: criteria provided, single submitter. Criteria: Ambry Variant Classification Scheme 2023. Collection method: clinical testing. Allele origin: germline.
Comment: The p.D263N variant (also known as c.787G>A), located in coding exon 7 of the HAX1 gene, results from a G to A substitution at nucleotide position 787. The aspartic acid at codon 263 is replaced by asparagine, an amino acid with highly similar properties. This amino acid position is conserved. In addition, this alteration is predicted to be tolerated by in silico analysis. Based on the available evidence, the clinical significance of this variant remains unclear.